The following is an entry in ClinVar:

NM_213649.2(SFXN4):c.732+251G>A

Gene: SFXN4 (sideroflexin 4; minus strand). Cytogenetic location: 10q26.11.
Variant type: single nucleotide variant.
Coding change: c.732+251G>A on transcript NM_213649.2 (MANE Select); 251 bases into the intron after coding-DNA position 732, G replaced by A.
Molecular consequence: intron variant.
Genome position (GRCh38, 1-based): chr10:119,154,811, C>T on the plus strand (G>A on the coding strand, the complement: SFXN4 is on the minus strand). VCF-style: chr10-119154811-C-T. GRCh37 (hg19) VCF-style: chr10-120914323-C-T.
Identifiers: ClinVar variation 673251 (VCV000673251.1), dbSNP rs78665128, ClinGen allele CA214173509.

ClinVar aggregate classification (germline): Benign (1 of 4 stars; one submission).

Allele frequency attached by ClinVar (database versions not stated): gnomAD 0.02422 and 0.02617; 1000 Genomes Project 0.02815; TOPMed 0.02843; 1000 Genomes Project 30x 0.02889.
gnomAD v4.1: 3,642 of 152,190 alleles (2.4%); highest among the groups gnomAD compares: African/African-American, 8.4%; 167 homozygotes.

Submission:

GeneDx
Classification: Benign. Last evaluated: 2018-06-14. Review status: criteria provided, single submitter. Criteria: GeneDx Variant Classification (06012015). Collection method: clinical testing. Allele origin: germline. Affected: yes.
Comment: This variant is considered likely benign or benign based on one or more of the following criteria: it is a conservative change, it occurs at a poorly conserved position in the protein, it is predicted to be benign by multiple in silico algorithms, and/or has population frequency not consistent with disease.